The following is an entry in ClinVar:

NM_004174.4(SLC9A3):c.303G>A (p.Ala101=)

Gene: SLC9A3 (solute carrier family 9 member A3). Cytogenetic location: 5p15.33.
Variant type: single nucleotide variant.
Coding change: c.303G>A on transcript NM_004174.4 (MANE Select); coding-DNA position 303, G replaced by A.
Protein change: p.Ala101=; no amino-acid change (alanine 101 retained).
Molecular consequence: synonymous variant.
Genome position (GRCh38, 1-based): chr5:491,980, C>T on the plus strand (G>A on the coding strand, the complement: SLC9A3 is on the minus strand). VCF-style: chr5-491980-C-T. GRCh37 (hg19) VCF-style: chr5-492095-C-T.
Other names: c.303G>A, p.Ala101= (NM_001284351.3).
Identifiers: ClinVar variation 732561 (VCV000732561.11), dbSNP rs375973207, ClinGen allele CA3176373.
Genomic context (GRCh38, chr5:491,980, plus strand): 5'-GGGCAGCAGGTAGAAGAAGAAGACGGTGGGCGTCAGTGTGAAGGACGCGATGTGGTCGGC[C>T]GCCCAGACGATGCCGCCCAGCACCAGGCCCAGCACGATGAGCAGGGCGCTCTCGGGAACC-3'
Protein context (NP_004165.2, residues 91-111): LGLVLGGIVW[Ala101=]ADHIASFTLT

ClinVar aggregate classification (germline): Benign/Likely benign. Review status: criteria provided, multiple submitters, no conflicts (2 of 4 stars). 3 submissions from 3 submitters: Benign (1); Likely benign (2). Last evaluated 2026-06-30.

Conditions:
SLC9A3-related disorder. Also called: SLC9A3-related condition.

Allele frequency attached by ClinVar (database versions not stated): TOPMed 0.00004; ESP Exome Variant Server 0.00008; 1000 Genomes Project 30x 0.00016; gnomAD 0.00019; 1000 Genomes Project 0.00020; gnomAD exomes 0.00051; ExAC 0.00088.
gnomAD v4.1: 431 of 1,604,478 alleles (0.027%); highest among the groups gnomAD compares: South Asian, 0.38%; 3 homozygotes.

Submissions (3):

PreventionGenetics, part of Exact Sciences
Classification: Likely benign for SLC9A3-related condition. Last evaluated: 2026-06-30. Review status: criteria provided, single submitter. Criteria: ACMG Guidelines, 2015. Collection method: clinical testing. Allele origin: germline.
Comment: This variant is classified as likely benign based on ACMG/AMP sequence variant interpretation guidelines (Richards et al. 2015 PMID: 25741868, with internal and published modifications).

Labcorp Genetics (formerly Invitae), Labcorp
Classification: Benign. Last evaluated: 2026-01-20. Review status: criteria provided, single submitter. Criteria: Invitae Variant Classification Sherloc (09022015). Collection method: clinical testing. Allele origin: germline.

Blueprint Genetics
Classification: Likely benign. Last evaluated: 2024-11-13. Review status: criteria provided, single submitter. Criteria: ACMG Guidelines, 2015. Collection method: clinical testing. Allele origin: germline.